The following is an entry in ClinVar:

NM_000069.3(CACNA1S):c.2361-44_2361-6del

Gene: CACNA1S (calcium voltage-gated channel subunit alpha1 S; minus strand). Cytogenetic location: 1q32.1.
Variant type: Deletion.
Coding change: c.2361-44_2361-6del on transcript NM_000069.3 (MANE Select); 44 bases into the intron before coding-DNA position 2361 through 6 bases into the intron before coding-DNA position 2361, 39 bases deleted.
Molecular consequence: intron variant.
Genome position (GRCh38, 1-based): chr1:201,069,607-201,069,645, 39 bases deleted; deleting any 39 consecutive bases within chr1:201,069,607-201,069,646 gives the same sequence; the c. name uses the placement nearest the transcript's 3' end. GRCh37 (hg19): chr1:201,038,736-201,038,774.
Identifiers: ClinVar variation 3386351 (VCV003386351.1).

ClinVar aggregate classification (germline): Uncertain significance (1 of 4 stars; one submission).

Conditions:
Malignant hyperthermia, susceptibility to, 5 (MHS5). Also called: CACNA1S-Related Malignant Hyperthermia Susceptibility. Identifiers: Orphanet 423, MedGen C1866077, MONDO:0011163, OMIM 601887.

Submission:

All of Us Research Program, National Institutes of Health
Classification: Uncertain significance for Malignant hyperthermia, susceptibility to, 5. Last evaluated: 2024-07-10. Review status: criteria provided, single submitter. Criteria: ACMG Guidelines, 2015. Collection method: clinical testing. Allele origin: germline. Inheritance: Autosomal dominant inheritance. Observed: 1 variant allele, 1 heterozygote.
Comment: This variant causes a deletion of 39 nucleotides in intron 17 splice acceptor site of the CACNA1S gene. To our knowledge, functional studies have not been reported for this variant. This variant has not been reported in individuals affected with CACNA1S-related disorders in the literature. This variant has not been identified in the general population by the Genome Aggregation Database (gnomAD). The available evidence is insufficient to determine the role of this variant in disease conclusively. Therefore, this variant is classified as a Variant of Uncertain Significance.

This study involves interpretation of variants in research participants for the purpose of population health screening. Participant phenotype was not available at the time of variant classification. Additional details can be found in publication PMID: 35346344, PMCID: PMC8962531